The following is an entry in ClinVar:

NM_000455.5(STK11):c.48G>C (p.Glu16Asp)

Gene: STK11 (serine/threonine kinase 11; plus strand). Cytogenetic location: 19p13.3.
Variant type: single nucleotide variant.
Coding change: c.48G>C on transcript NM_000455.5 (MANE Select); coding-DNA position 48, G replaced by C.
Protein change: p.Glu16Asp; replaces glutamic acid 16 with aspartic acid.
Molecular consequence: missense variant. On other transcripts: non-coding transcript variant (1).
Genome position (GRCh38, 1-based): chr19:1,206,961, G>C. VCF-style: chr19-1206961-G-C. GRCh37 (hg19) VCF-style: chr19-1206960-G-C.
Other names: c.48G>C, p.Glu16Asp (NM_001407255.1); short protein forms E16D.
Identifiers: ClinVar variation 3897131 (VCV003897131.1).

ClinVar aggregate classification (germline): Uncertain significance (1 of 4 stars; one submission).

gnomAD v4.1: 1 of 1,609,314 alleles (0.000062%); highest among the groups gnomAD compares: East Asian, 0.0022%; no homozygotes.

Submission:

GeneDx
Classification: Uncertain significance. Last evaluated: 2024-11-05. Review status: criteria provided, single submitter. Criteria: GeneDx Variant Classification Process June 2021. Collection method: clinical testing. Allele origin: germline. Affected: yes.
Comment: Not observed at significant frequency in large population cohorts (gnomAD); In silico analysis indicates that this missense variant does not alter protein structure/function; Has not been previously published as pathogenic or benign to our knowledge